The following is an entry in ClinVar:

NM_001042492.3(NF1):c.5609+1G>C

Gene: NF1 (neurofibromin 1; plus strand). Cytogenetic location: 17q11.2.
Variant type: single nucleotide variant.
Coding change: c.5609+1G>C on transcript NM_001042492.3 (MANE Select); the canonical splice donor site of the intron after coding-DNA position 5609, G replaced by C.
Molecular consequence: splice donor variant.
Genome position (GRCh38, 1-based): chr17:31,327,840, G>C. VCF-style: chr17-31327840-G-C. GRCh37 (hg19) VCF-style: chr17-29654858-G-C.
Other names: c.5546+1G>C (NM_000267.4).
Identifiers: ClinVar variation 1397561 (VCV001397561.6), dbSNP rs1131691117, ClinGen allele CA399010078.

ClinVar aggregate classification (germline): Pathogenic (1 of 4 stars; one submission).

Conditions:
Neurofibromatosis, type 1 (NF1). Also called: VON RECKLINGHAUSEN DISEASE; Neurofibromatosis, type I; NEUROFIBROMATOSIS, TYPE I, SOMATIC; Peripheral type neurofibromatosis. Identifiers: Orphanet 636, MedGen C0027831, MONDO:0018975, OMIM 162200. Disease mechanism: loss of function.

Submission:

Labcorp Genetics (formerly Invitae), Labcorp
Classification: Pathogenic for Neurofibromatosis, type 1. Last evaluated: 2021-10-09. Review status: criteria provided, single submitter. Criteria: Invitae Variant Classification Sherloc (09022015). Collection method: clinical testing. Allele origin: germline.
Comment: This variant is not present in population databases (ExAC no frequency). For these reasons, this variant has been classified as Pathogenic. Algorithms developed to predict the effect of sequence changes on RNA splicing suggest that this variant may disrupt the consensus splice site. Disruption of this splice site has been observed in individuals with clinical features of NF1-related conditions (PMID: 10543400, 10712197, 14569132, 30014477). This sequence change affects a donor splice site in intron 37 of the NF1 gene. It is expected to disrupt RNA splicing. Variants that disrupt the donor or acceptor splice site typically lead to a loss of protein function (PMID: 16199547), and loss-of-function variants in NF1 are known to be pathogenic (PMID: 10712197, 23913538).

Literature cited by the submitters: PubMed 10543400; PubMed 10712197; PubMed 14569132; PubMed 30014477; PubMed 16199547; PubMed 23913538.